The following is an entry in ClinVar:

ClinVar aggregate classification (germline): Pathogenic (1 of 4 stars; one submission).

Conditions:
Cardiovascular phenotype. Identifiers: MedGen CN230736.
Hereditary cancer-predisposing syndrome. Also called: Neoplastic Syndromes, Hereditary; Tumor predisposition; Hereditary Cancer Syndrome; Hereditary neoplastic syndrome. Identifiers: Orphanet 140162, MedGen C0027672, MeSH D009386, MONDO:0015356.

Submission:

Ambry Genetics
Classification: Pathogenic for Cardiovascular phenotype; Hereditary cancer-predisposing syndrome. Last evaluated: 2017-08-04. Review status: criteria provided, single submitter. Criteria: Ambry Variant Classification Scheme 2023. Collection method: clinical testing. Allele origin: germline.
Comment: The c.5531_5532delCT pathogenic mutation, located in coding exon 37 of the NF1 gene, results from a deletion of two nucleotides at nucleotide positions 5531 to 5532, causing a translational frameshift with a predicted alternate stop codon (p.S1844*). This alteration is expected to result in loss of function by premature protein truncation or nonsense-mediated mRNA decay. As such, this alteration is interpreted as a disease-causing mutation.

NM_001042492.3(NF1):c.5594_5595del (p.Ser1864_Ser1865insTer)

Gene: NF1 (neurofibromin 1; plus strand). Cytogenetic location: 17q11.2.
Variant type: Deletion.
Coding change: c.5594_5595del on transcript NM_001042492.3 (MANE Select); coding-DNA positions 5594 to 5595, 2 bases deleted (CT; older notation c.5594_5595delCT).
Protein change: p.Ser1864_Ser1865insTer.
Molecular consequence: nonsense. On other transcripts: frameshift variant (1).
Genome position (GRCh38, 1-based): chr17:31,327,824-31,327,825, CT deleted; deleting any 2 consecutive bases within chr17:31,327,823-31,327,825 gives the same sequence; the c. name uses the placement nearest the transcript's 3' end. VCF-style (leftmost placement, unchanged base first): chr17-31327822-TTC-T. GRCh37 (hg19) VCF-style: chr17-29654840-TTC-T.
Other names: c.5531_5532delCT (NM_000267.3); c.5531_5532delCT, p.Ser1844Terfs (NM_000267.4).
Identifiers: ClinVar variation 484147 (VCV000484147.5), dbSNP rs1555533650, ClinGen allele CA658658553.
Genomic context (GRCh38, chr17:31,327,822, plus strand): 5'-GATTCGGCCAAAAGATGTCCCTGGGACACTGCTCAATATCGCATTACTTAATTTAGGCAG[TTC>T]TGACCCGAGTTTACGGTAGGTTTTTTAAAATTCTCTTCAGTTTGATTTGGGGTTTGTTGC-3'